The following is an entry in ClinVar:

ClinVar aggregate classification (germline): Uncertain significance. Review status: criteria provided, multiple submitters, no conflicts (2 of 4 stars). 3 submissions from 3 submitters: Uncertain significance (3). Last evaluated 2025-11-27.

Conditions:
Inborn genetic diseases. Identifiers: MedGen C0950123, MeSH D030342.
Developmental and epileptic encephalopathy, 23 (DEE23). Also called: Epileptic encephalopathy, early infantile, 23. Identifiers: Orphanet 411986, MedGen C4014492, MONDO:0014371, OMIM 615859.

Allele frequency attached by ClinVar (database versions not stated): gnomAD 0.00001; gnomAD exomes 0.00002; ExAC 0.00003.

Submissions (3):

Labcorp Genetics (formerly Invitae), Labcorp
Classification: Uncertain significance for Developmental and epileptic encephalopathy, 23. Last evaluated: 2025-11-27. Review status: criteria provided, single submitter. Criteria: Invitae Variant Classification Sherloc (09022015). Collection method: clinical testing. Allele origin: germline.
Comment: This sequence change replaces alanine, which is neutral and non-polar, with threonine, which is neutral and polar, at codon 205 of the DOCK7 protein (p.Ala205Thr). This variant is present in population databases (rs748514116, gnomAD 0.008%). This variant has not been reported in the literature in individuals affected with DOCK7-related conditions. ClinVar contains an entry for this variant (Variation ID: 856095). Invitae Evidence Modeling of protein sequence and biophysical properties (such as structural, functional, and spatial information, amino acid conservation, physicochemical variation, residue mobility, and thermodynamic stability) indicates that this missense variant is not expected to disrupt DOCK7 protein function with a negative predictive value of 80%. In summary, the available evidence is currently insufficient to determine the role of this variant in disease. Therefore, it has been classified as a Variant of Uncertain Significance.

Genome-Nilou Lab
Classification: Uncertain significance for Developmental and epileptic encephalopathy, 23. Last evaluated: 2023-04-11. Review status: criteria provided, single submitter. Criteria: ACMG Guidelines, 2015. Collection method: clinical testing. Allele origin: germline. Affected: no.

Ambry Genetics
Classification: Uncertain significance for Inborn genetic diseases. Last evaluated: 2023-02-15. Review status: criteria provided, single submitter. Criteria: Ambry Variant Classification Scheme 2023. Collection method: clinical testing. Allele origin: germline.

NM_001367561.1(DOCK7):c.613G>A (p.Ala205Thr)

Gene: DOCK7 (dedicator of cytokinesis 7; minus strand). Cytogenetic location: 1p31.3.
Variant type: single nucleotide variant.
Coding change: c.613G>A on transcript NM_001367561.1 (MANE Select); coding-DNA position 613, G replaced by A.
Protein change: p.Ala205Thr; replaces alanine 205 with threonine.
Molecular consequence: missense variant.
Genome position (GRCh38, 1-based): chr1:62,648,225, C>T on the plus strand (G>A on the coding strand, the complement: DOCK7 is on the minus strand). VCF-style: chr1-62648225-C-T. GRCh37 (hg19) VCF-style: chr1-63113896-C-T.
Other names: c.613G>A, p.Ala205Thr (NM_001271999.2, NM_001272000.2, NM_001272001.2 and 3 more transcripts); c.613G>A (NM_033407.2); short protein forms A205T.
Identifiers: ClinVar variation 856095 (VCV000856095.12), dbSNP rs748514116, ClinGen allele CA887154.